The following is an entry in ClinVar:

ClinVar aggregate classification (germline): Uncertain significance (1 of 4 stars; one submission).

Conditions:
Familial cold autoinflammatory syndrome 3 (FCAS3). Also called: ANTIBODY DEFICIENCY AND IMMUNE DYSREGULATION, PLCG2-ASSOCIATED; FAMILIAL ATYPICAL COLD URTICARIA. Identifiers: Orphanet 300359, MedGen C3280914, MONDO:0013766, OMIM 614468.

Allele frequency attached by ClinVar (database versions not stated): gnomAD exomes below 0.00001.
gnomAD v4.1: 3 of 1,614,156 alleles (0.00019%); highest among the groups gnomAD compares: Non-Finnish European, 0.000085%; no homozygotes.

Submission:

Labcorp Genetics (formerly Invitae), Labcorp
Classification: Uncertain significance for Familial cold autoinflammatory syndrome 3. Last evaluated: 2025-11-19. Review status: criteria provided, single submitter. Criteria: Invitae Variant Classification Sherloc (09022015). Collection method: clinical testing. Allele origin: germline.
Comment: This sequence change replaces isoleucine, which is neutral and non-polar, with valine, which is neutral and non-polar, at codon 70 of the PLCG2 protein (p.Ile70Val). This variant is not present in population databases (gnomAD no frequency). This variant has not been reported in the literature in individuals affected with PLCG2-related conditions. ClinVar contains an entry for this variant (Variation ID: 1369020). An algorithm developed to predict the effect of missense changes on protein structure and function (PolyPhen-2) suggests that this variant is likely to be tolerated. In summary, the available evidence is currently insufficient to determine the role of this variant in disease. Therefore, it has been classified as a Variant of Uncertain Significance.

NM_002661.5(PLCG2):c.208A>G (p.Ile70Val)

Gene: PLCG2 (phospholipase C gamma 2; plus strand). Cytogenetic location: 16q23.3.
Variant type: single nucleotide variant.
Coding change: c.208A>G on transcript NM_002661.5 (MANE Select); coding-DNA position 208, A replaced by G.
Protein change: p.Ile70Val; replaces isoleucine 70 with valine.
Molecular consequence: missense variant.
Genome position (GRCh38, 1-based): chr16:81,854,458, A>G. VCF-style: chr16-81854458-A-G. GRCh37 (hg19) VCF-style: chr16-81888063-A-G.
Other names: short protein forms I70V.
Identifiers: ClinVar variation 1369020 (VCV001369020.8), dbSNP rs756113383, ClinGen allele CA285163634.
Genomic context (GRCh38, chr16:81,854,458, plus strand): 5'-GGAGGGAACTCCAGCTTCTAATTGGCTCATGTTAATTTCATTTTAGTGGATATCATGGAA[A>G]TAAAAGAAATCCGCCCAGGGAAGAACTCCAAAGATTTCGAGCGAGCAAAAGCAGTTCGCC-3'
Protein context (NP_002652.2, residues 60-80): KIEGFLDIME[Ile70Val]KEIRPGKNSK